The following is an entry in ClinVar:

ClinVar aggregate classification (germline): Uncertain significance (1 of 4 stars; one submission).

gnomAD v4.1: 8 of 1,613,508 alleles (0.0005%); highest among the groups gnomAD compares: Non-Finnish European, 0.00059%; no homozygotes.

Submission:

Labcorp Genetics (formerly Invitae), Labcorp
Classification: Uncertain significance. Last evaluated: 2025-07-31. Review status: criteria provided, single submitter. Criteria: Invitae Variant Classification Sherloc (09022015). Collection method: clinical testing. Allele origin: germline.
Comment: This sequence change replaces arginine, which is basic and polar, with isoleucine, which is neutral and non-polar, at codon 85 of the POC1B protein (p.Arg85Ile). This variant is present in population databases (no rsID available, gnomAD 0.0009%). This variant has not been reported in the literature in individuals affected with POC1B-related conditions. ClinVar contains an entry for this variant (Variation ID: 1462179). Invitae Evidence Modeling of protein sequence and biophysical properties (such as structural, functional, and spatial information, amino acid conservation, physicochemical variation, residue mobility, and thermodynamic stability) indicates that this missense variant is expected to disrupt POC1B protein function with a positive predictive value of 80%. In summary, the available evidence is currently insufficient to determine the role of this variant in disease. Therefore, it has been classified as a Variant of Uncertain Significance.

NM_172240.3(POC1B):c.254G>T (p.Arg85Ile)

Genes: POC1B (POC1 centriolar protein B; minus strand), POC1B-DUSP6 (POC1B-DUSP6 readthrough; minus strand). Cytogenetic location: 12q21.33.
Variant type: single nucleotide variant.
Coding change: c.254G>T on transcript NM_172240.3 (MANE Select); coding-DNA position 254, G replaced by T.
Protein change: p.Arg85Ile; replaces arginine 85 with isoleucine.
Molecular consequence: missense variant.
Genome position (GRCh38, 1-based): chr12:89,497,189, C>A on the plus strand (G>T on the coding strand, the complement: POC1B is on the minus strand). VCF-style: chr12-89497189-C-A. GRCh37 (hg19) VCF-style: chr12-89890966-C-A.
Other names: c.128G>T, p.Arg43Ile (NM_001199777.2); short protein forms R43I, R85I.
Identifiers: ClinVar variation 1462179 (VCV001462179.8), dbSNP rs779703981, ClinGen allele CA385993291.